The following is an entry in ClinVar:

NM_000537.4(REN):c.157A>G (p.Met53Val)

Gene: REN (renin; minus strand). Cytogenetic location: 1q32.1.
Variant type: single nucleotide variant.
Coding change: c.157A>G on transcript NM_000537.4 (MANE Select); coding-DNA position 157, A replaced by G.
Protein change: p.Met53Val; replaces methionine 53 with valine.
Molecular consequence: missense variant.
Genome position (GRCh38, 1-based): chr1:204,162,105, T>C on the plus strand (A>G on the coding strand, the complement: REN is on the minus strand). VCF-style: chr1-204162105-T-C. GRCh37 (hg19) VCF-style: chr1-204131233-T-C.
Other names: short protein forms M53V.
Identifiers: ClinVar variation 1970371 (VCV001970371.5), dbSNP rs2527493841, ClinGen allele CA344341946.
Genomic context (GRCh38, chr1:204,162,105, plus strand): 5'-TGGTGTTGCCAAGTGTCAGCCTCTTCATGGGTTGGCTCCACTCGGGACCAAGCCTGGCCA[T>C]GTCCACACCTCGTTCCTTCAGGCTTTCTCGGATTGAGGGCATTCTCTTGAGGAAGATCCT-3'
Protein context (NP_000528.1, residues 43-63): RESLKERGVD[Met53Val]ARLGPEWSQP

ClinVar aggregate classification (germline): Uncertain significance (1 of 4 stars; one submission).

Allele frequency attached by ClinVar (database versions not stated): gnomAD exomes below 0.00001.
gnomAD v4.1: 1 of 1,614,132 alleles (0.000062%); highest among the groups gnomAD compares: Non-Finnish European, 0.000085%; no homozygotes.

Submission:

Labcorp Genetics (formerly Invitae), Labcorp
Classification: Uncertain significance. Last evaluated: 2022-08-31. Review status: criteria provided, single submitter. Criteria: Invitae Variant Classification Sherloc (09022015). Collection method: clinical testing. Allele origin: germline.
Comment: In summary, the available evidence is currently insufficient to determine the role of this variant in disease. Therefore, it has been classified as a Variant of Uncertain Significance. Algorithms developed to predict the effect of missense changes on protein structure and function output the following: SIFT: "Tolerated"; PolyPhen-2: "Benign"; Align-GVGD: "Class C0". The valine amino acid residue is found in multiple mammalian species, which suggests that this missense change does not adversely affect protein function. This variant has not been reported in the literature in individuals affected with REN-related conditions. This variant is not present in population databases (gnomAD no frequency). This sequence change replaces methionine, which is neutral and non-polar, with valine, which is neutral and non-polar, at codon 53 of the REN protein (p.Met53Val).